The following is an entry in ClinVar:

ClinVar aggregate classification (germline): Conflicting classifications of pathogenicity. Review status: criteria provided, conflicting classifications (1 of 4 stars). 4 submissions from 4 submitters: Uncertain significance (3); Likely benign (1). Last evaluated 2026-05-26.

Conditions:
Hypokalemic periodic paralysis, type 1. Also called: HypoPP; Hypokalemic Periodic Paralysis Type 1 (AD). Identifiers: Orphanet 681, MedGen C3714580, MONDO:0042979, OMIM 170400.
Malignant hyperthermia, susceptibility to, 5 (MHS5). Also called: CACNA1S-Related Malignant Hyperthermia Susceptibility. Identifiers: Orphanet 423, MedGen C1866077, MONDO:0011163, OMIM 601887.
Congenital myopathy 18. Also called: Myopathy, congenital, due to dihydropyridine receptor defect; DIHYDROPYRIDINE RECEPTOR CONGENITAL MYOPATHY; DHPR CONGENITAL MYOPATHY. Identifiers: MedGen C5830283, MONDO:0859514, OMIM 620246.
Thyrotoxic periodic paralysis, susceptibility to, 1 (TTPP1). Identifiers: Orphanet 79102, MedGen C2749982, MONDO:0008570, OMIM 188580.

Allele frequency attached by ClinVar (database versions not stated): TOPMed 0.00011; ESP Exome Variant Server 0.00015; ExAC 0.00001; gnomAD exomes 0.00001; gnomAD 0.00008.
gnomAD v4.1: 23 of 1,613,980 alleles (0.0014%); highest among the groups gnomAD compares: African/African-American, 0.031%; no homozygotes.

Submissions (4):

GeneDx
Classification: Uncertain significance. Last evaluated: 2026-05-26. Review status: criteria provided, single submitter. Criteria: GeneDx Variant Classification Process June 2021. Collection method: clinical testing. Allele origin: germline.
Comment: In silico analysis suggests that this missense variant does not alter protein structure/function; Has not been previously published as pathogenic or benign to our knowledge

Labcorp Genetics (formerly Invitae), Labcorp
Classification: Likely benign for Hypokalemic periodic paralysis, type 1; Malignant hyperthermia, susceptibility to, 5. Last evaluated: 2025-04-20. Review status: criteria provided, single submitter. Criteria: Invitae Variant Classification Sherloc (09022015). Collection method: clinical testing. Allele origin: germline.

Fulgent Genetics
Classification: Uncertain significance for Hypokalemic periodic paralysis, type 1; Thyrotoxic periodic paralysis, susceptibility to, 1; Malignant hyperthermia, susceptibility to, 5; Congenital myopathy 18. Last evaluated: 2024-03-06. Review status: criteria provided, single submitter. Criteria: ACMG Guidelines, 2015. Collection method: clinical testing. Allele origin: germline.

Color Diagnostics, LLC DBA Color Health
Classification: Uncertain significance for Malignant hyperthermia, susceptibility to, 5. Last evaluated: 2023-11-15. Review status: criteria provided, single submitter. Criteria: ACMG Guidelines, 2015. Collection method: clinical testing. Allele origin: germline.
Comment: This missense variant replaces isoleucine with valine at codon 61 of the CACNA1S protein. Computational prediction is inconclusive regarding the impact of this variant on protein structure and function. To our knowledge, functional studies have not been reported for this variant. This variant has not been reported in individuals affected with CACNA1S-related disorders in the literature. This variant has been identified in 2/282834 chromosomes in the general population by the Genome Aggregation Database (gnomAD). The available evidence is insufficient to determine the role of this variant in disease conclusively. Therefore, this variant is classified as a Variant of Uncertain Significance.

NM_000069.3(CACNA1S):c.181A>G (p.Ile61Val)

Gene: CACNA1S (calcium voltage-gated channel subunit alpha1 S; minus strand). Cytogenetic location: 1q32.1.
Variant type: single nucleotide variant.
Coding change: c.181A>G on transcript NM_000069.3 (MANE Select); coding-DNA position 181, A replaced by G.
Protein change: p.Ile61Val; replaces isoleucine 61 with valine.
Molecular consequence: missense variant.
Genome position (GRCh38, 1-based): chr1:201,110,241, T>C on the plus strand (A>G on the coding strand, the complement: CACNA1S is on the minus strand). VCF-style: chr1-201110241-T-C. GRCh37 (hg19) VCF-style: chr1-201079369-T-C.
Other names: c.181A>G (NM_000069.2); short protein forms I61V.
Identifiers: ClinVar variation 2415568 (VCV002415568.11), dbSNP rs147382463, ClinGen allele CA078582.
Genomic context (GRCh38, chr1:201,110,241, plus strand): 5'-AGTTGTTGTCATCTTCCGGCATGGGCAGGTACACGGCCAGGGCCACACAATTGGCAAAGA[T>C]GGTGAGCAAGATGATCGTCTCGAAGGGCCTGGAGCCAGGGTTAAGGAGAGCCCTCGAGTG-3'
Protein context (NP_000060.2, residues 51-71): KPFETIILLT[Ile61Val]FANCVALAVY